The following is an entry in ClinVar:

ClinVar aggregate classification (germline): Uncertain significance (1 of 4 stars; one submission).

Allele frequency attached by ClinVar (database versions not stated): gnomAD 0.00001; TOPMed 0.00001.
gnomAD v4.1: 5 of 1,614,018 alleles (0.00031%); highest among the groups gnomAD compares: South Asian, 0.0022%; no homozygotes.

Submission:

Labcorp Genetics (formerly Invitae), Labcorp
Classification: Uncertain significance. Last evaluated: 2022-03-27. Review status: criteria provided, single submitter. Criteria: Invitae Variant Classification Sherloc (09022015). Collection method: clinical testing. Allele origin: germline.
Comment: In summary, the available evidence is currently insufficient to determine the role of this variant in disease. Therefore, it has been classified as a Variant of Uncertain Significance. Algorithms developed to predict the effect of missense changes on protein structure and function are either unavailable or do not agree on the potential impact of this missense change (SIFT: "Tolerated"; PolyPhen-2: "Possibly Damaging"; Align-GVGD: "Class C0"). This variant has not been reported in the literature in individuals affected with VAV1-related conditions. The frequency data for this variant in the population databases is considered unreliable, as metrics indicate poor data quality at this position in the gnomAD database. This sequence change replaces aspartic acid, which is acidic and polar, with asparagine, which is neutral and polar, at codon 147 of the VAV1 protein (p.Asp147Asn).

NM_005428.4(VAV1):c.439G>A (p.Asp147Asn)

Gene: VAV1 (vav guanine nucleotide exchange factor 1; plus strand). Cytogenetic location: 19p13.3.
Variant type: single nucleotide variant.
Coding change: c.439G>A on transcript NM_005428.4 (MANE Select); coding-DNA position 439, G replaced by A.
Protein change: p.Asp147Asn; replaces aspartic acid 147 with asparagine.
Molecular consequence: missense variant.
Genome position (GRCh38, 1-based): chr19:6,821,849, G>A. VCF-style: chr19-6821849-G-A. GRCh37 (hg19) VCF-style: chr19-6821860-G-A.
Other names: c.439G>A, p.Asp147Asn (NM_001258206.2, NM_001258207.2); short protein forms D147N.
Identifiers: ClinVar variation 2057442 (VCV002057442.4), dbSNP rs1319067024, ClinGen allele CA403615305.